The following is an entry in ClinVar:

NM_000836.4(GRIN2D):c.3227C>T (p.Ala1076Val)

Gene: GRIN2D (glutamate ionotropic receptor NMDA type subunit 2D; plus strand). Cytogenetic location: 19q13.33.
Variant type: single nucleotide variant.
Coding change: c.3227C>T on transcript NM_000836.4 (MANE Select); coding-DNA position 3227, C replaced by T.
Protein change: p.Ala1076Val; replaces alanine 1076 with valine.
Molecular consequence: missense variant.
Genome position (GRCh38, 1-based): chr19:48,443,153, C>T. VCF-style: chr19-48443153-C-T. GRCh37 (hg19) VCF-style: chr19-48946410-C-T.
Other names: short protein forms A1076V.
Identifiers: ClinVar variation 1055258 (VCV001055258.10), dbSNP rs1440239253, ClinGen allele CA406675145.

ClinVar aggregate classification (germline): Uncertain significance (1 of 4 stars; one submission).

Allele frequency attached by ClinVar (database versions not stated): gnomAD exomes below 0.00001; gnomAD 0.00001; TOPMed 0.00001.
gnomAD v4.1: 3 of 992,428 alleles (0.0003%); highest among the groups gnomAD compares: Non-Finnish European, 0.00036%; no homozygotes.

Submission:

Labcorp Genetics (formerly Invitae), Labcorp
Classification: Uncertain significance. Last evaluated: 2022-03-19. Review status: criteria provided, single submitter. Criteria: Invitae Variant Classification Sherloc (09022015). Collection method: clinical testing. Allele origin: germline.
Comment: This sequence change replaces alanine, which is neutral and non-polar, with valine, which is neutral and non-polar, at codon 1076 of the GRIN2D protein (p.Ala1076Val). The frequency data for this variant in the population databases is considered unreliable, as metrics indicate insufficient coverage at this position in the gnomAD database. This variant has not been reported in the literature in individuals affected with GRIN2D-related conditions. ClinVar contains an entry for this variant (Variation ID: 1055258). Advanced modeling of protein sequence and biophysical properties (such as structural, functional, and spatial information, amino acid conservation, physicochemical variation, residue mobility, and thermodynamic stability) performed at Invitae indicates that this missense variant is not expected to disrupt GRIN2D protein function. In summary, the available evidence is currently insufficient to determine the role of this variant in disease. Therefore, it has been classified as a Variant of Uncertain Significance.